The following is an entry in ClinVar:

ClinVar aggregate classification (germline): Benign/Likely benign. Review status: criteria provided, multiple submitters, no conflicts (2 of 4 stars). 3 submissions from 3 submitters: Benign (1); Likely benign (2). Last evaluated 2026-06-01.

Allele frequency attached by ClinVar (database versions not stated): 1000 Genomes Project 0.00220; 1000 Genomes Project 30x 0.00234; gnomAD exomes 0.00565; ExAC 0.00569; TOPMed 0.00605; gnomAD 0.00617 and 0.00635; ESP Exome Variant Server 0.00884.
gnomAD v4.1: 14,002 of 1,614,166 alleles (0.87%); highest among the groups gnomAD compares: Non-Finnish European, 1.1%; 82 homozygotes.

Submissions (3):

CeGaT Center for Human Genetics Tuebingen
Classification: Benign. Last evaluated: 2026-06-01. Review status: criteria provided, single submitter. Criteria: CeGaT Center For Human Genetics Tuebingen Variant Classification Criteria Version 2. Collection method: clinical testing. Allele origin: germline. Affected: yes. Observed: 31 variant alleles.
Comment: PIGC: BP4, BS1, BS2; C1orf105: BS1, BS2

Labcorp Genetics (formerly Invitae), Labcorp
Classification: Likely benign. Last evaluated: 2026-01-27. Review status: criteria provided, single submitter. Criteria: Invitae Variant Classification Sherloc (09022015). Collection method: clinical testing. Allele origin: germline.

Breakthrough Genomics
Classification: Likely benign. Review status: criteria provided, single submitter. Criteria: ACMG Guidelines, 2015. Collection method: not provided. Allele origin: germline. Inheritance: Autosomal recessive inheritance. Affected: yes.

NM_153747.2(PIGC):c.676C>T (p.Arg226Trp)

Genes: C1orf105 (chromosome 1 open reading frame 105; plus strand), PIGC (phosphatidylinositol glycan anchor biosynthesis class C; minus strand). Cytogenetic location: 1q24.3.
Variant type: single nucleotide variant.
Coding change: c.676C>T on transcript NM_153747.2 (MANE Select); coding-DNA position 676, C replaced by T.
Protein change: p.Arg226Trp; replaces arginine 226 with tryptophan.
Molecular consequence: missense variant. On other transcripts: intron variant (1).
Genome position (GRCh38, 1-based): chr1:172,441,947, G>A on the plus strand (C>T on the coding strand, the complement: PIGC is on the minus strand). VCF-style: chr1-172441947-G-A. GRCh37 (hg19) VCF-style: chr1-172411087-G-A.
Other names: c.676C>T, p.Arg226Trp (NM_002642.4); c.22-3126G>A (NM_139240.4); short protein forms R226W.
Identifiers: ClinVar variation 769251 (VCV000769251.40), dbSNP rs34001453, ClinGen allele CA1245941.